The following is an entry in ClinVar:

ClinVar aggregate classification (germline): Uncertain significance (1 of 4 stars; one submission).

Conditions:
Multiple mitochondrial dysfunctions syndrome 3 (MMDS3). Identifiers: Orphanet 363424, MedGen C3809165, MONDO:0014132, OMIM 615330.
Hereditary spastic paraplegia 74. Also called: Spastic paraplegia 74, autosomal recessive. Identifiers: Orphanet 468661, MedGen C5568837, MONDO:0014644, OMIM 616451.

Submission:

Labcorp Genetics (formerly Invitae), Labcorp
Classification: Uncertain significance for Multiple mitochondrial dysfunctions syndrome 3; Hereditary spastic paraplegia 74. Last evaluated: 2024-11-11. Review status: criteria provided, single submitter. Criteria: Invitae Variant Classification Sherloc (09022015). Collection method: clinical testing. Allele origin: germline.
Comment: This sequence change results in a frameshift in the IBA57 gene (p.Lys356Serfs*247). While this is not anticipated to result in nonsense mediated decay, it is expected to disrupt the last 1 amino acid(s) of the IBA57 protein and extend the protein by 245 additional amino acid residues. This variant is not present in population databases (gnomAD no frequency). This variant has not been reported in the literature in individuals affected with IBA57-related conditions. ClinVar contains an entry for this variant (Variation ID: 1361169). Experimental studies and prediction algorithms are not available or were not evaluated, and the functional significance of this variant is currently unknown. In summary, the available evidence is currently insufficient to determine the role of this variant in disease. Therefore, it has been classified as a Variant of Uncertain Significance.

NM_001010867.4(IBA57):c.1065del (p.Lys356fs)

Gene: IBA57 (iron-sulfur cluster assembly factor IBA57; plus strand). Cytogenetic location: 1q42.13.
Variant type: Deletion.
Coding change: c.1065del on transcript NM_001010867.4 (MANE Select); coding-DNA position 1065, one base deleted (C; older notation c.1065delC).
Protein change: p.Lys356fs; shifts the reading frame from lysine 356.
Molecular consequence: frameshift variant.
Genome position (GRCh38, 1-based): chr1:228,175,507, C deleted; the last of 2 consecutive C bases (chr1:228,175,506-228,175,507); deleting either gives the same sequence. VCF-style (leftmost placement, unchanged base first): chr1-228175505-TC-T. GRCh37 (hg19) VCF-style: chr1-228363206-TC-T.
Other names: c.486del, p.Lys163fs (NM_001310327.2); short protein forms K356fs, K163fs.
Identifiers: ClinVar variation 1361169 (VCV001361169.6), dbSNP rs2124977415, ClinGen allele CA2573132773.